The following is an entry in ClinVar:

ClinVar aggregate classification (germline): Uncertain significance (1 of 4 stars; one submission).

Conditions:
Ehlers-Danlos syndrome, classic type, 1 (EDSCL1). Also called: EHLERS-DANLOS SYNDROME, GRAVIS TYPE; EHLERS-DANLOS SYNDROME, SEVERE CLASSIC TYPE; Ehlers-Danlos syndrome, type 1; Ehlers-Danlos Syndrome, Classic Type, COL5A1-Related; EDS I. Identifiers: MedGen C0268335, MONDO:0019567, OMIM 130000.

Submission:

Labcorp Genetics (formerly Invitae), Labcorp
Classification: Uncertain significance for Ehlers-Danlos syndrome, classic type, 1. Last evaluated: 2025-09-17. Review status: criteria provided, single submitter. Criteria: Invitae Variant Classification Sherloc (09022015). Collection method: clinical testing. Allele origin: germline.
Comment: This sequence change replaces glycine, which is neutral and non-polar, with valine, which is neutral and non-polar, at codon 930 of the COL5A2 protein (p.Gly930Val). This variant is not present in population databases (gnomAD no frequency). This variant has not been reported in the literature in individuals affected with COL5A2-related conditions. ClinVar contains an entry for this variant (Variation ID: 2820299). Invitae Evidence Modeling of protein sequence and biophysical properties (such as structural, functional, and spatial information, amino acid conservation, physicochemical variation, residue mobility, and thermodynamic stability) indicates that this missense variant is expected to disrupt COL5A2 protein function with a positive predictive value of 80%. In summary, the available evidence is currently insufficient to determine the role of this variant in disease. Therefore, it has been classified as a Variant of Uncertain Significance.

NM_000393.5(COL5A2):c.2789G>T (p.Gly930Val)

Gene: COL5A2 (collagen type V alpha 2 chain; minus strand). Cytogenetic location: 2q32.2.
Variant type: single nucleotide variant.
Coding change: c.2789G>T on transcript NM_000393.5 (MANE Select); coding-DNA position 2789, G replaced by T.
Protein change: p.Gly930Val; replaces glycine 930 with valine.
Molecular consequence: missense variant.
Genome position (GRCh38, 1-based): chr2:189,051,462, C>A on the plus strand (G>T on the coding strand, the complement: COL5A2 is on the minus strand). VCF-style: chr2-189051462-C-A. GRCh37 (hg19) VCF-style: chr2-189916188-C-A.
Other names: short protein forms G930V.
Identifiers: ClinVar variation 2820299 (VCV002820299.3), dbSNP rs2469256807, ClinGen allele CA349868368.